The following is an entry in ClinVar:

NM_001377.3(DYNC2H1):c.10761+2T>C

Gene: DYNC2H1 (dynein cytoplasmic 2 heavy chain 1; plus strand). Cytogenetic location: 11q22.3.
Variant type: single nucleotide variant.
Coding change: c.10761+2T>C on transcript NM_001377.3 (MANE Select); the canonical splice donor site of the intron after coding-DNA position 10761, T replaced by C.
Molecular consequence: splice donor variant.
Genome position (GRCh38, 1-based): chr11:103,280,415, T>C. VCF-style: chr11-103280415-T-C. GRCh37 (hg19) VCF-style: chr11-103151144-T-C.
Other names: c.10782+2T>C (NM_001080463.2).
Identifiers: ClinVar variation 4883058 (VCV004883058.2).

ClinVar aggregate classification (germline): Likely pathogenic (1 of 4 stars; one submission).

Conditions:
Asphyxiating thoracic dystrophy 3. Also called: SHORT-RIB THORACIC DYSPLASIA 3 WITH OR WITHOUT POLYDACTYLY; POLYDACTYLY WITH NEONATAL CHONDRODYSTROPHY, TYPE I; SHORT-RIB THORACIC DYSPLASIA 3/6 WITH POLYDACTYLY, DIGENIC; Short rib polydactyly syndrome 2B; Saldino-Noonan Syndrome. Identifiers: Orphanet 474, Orphanet 93269, Orphanet 93270, Orphanet 93271, MedGen C0036069, MONDO:0013127, OMIM 613091.

Submission:

Dasa
Classification: Likely pathogenic for Asphyxiating thoracic dystrophy 3. Last evaluated: 2026-02-20. Review status: criteria provided, single submitter. Criteria: DASA Assertion Criteria. Collection method: clinical testing. Allele origin: germline.
Comment: NM_001377.3(DYNC2H1):c.10761+2T>C affects a canonical splice site and is predicted to disrupt normal RNA splicing. Loss of function is an established disease mechanism for DYNC2H1-associated disorders. This variant has been observed in affected individuals with DYNC2H1-related disorders. Also, this variant is absent from population databases. Based on the currently available evidence, this variant is classified as likely pathogenic.